The following is an entry in ClinVar:

ClinVar aggregate classification (germline): Uncertain significance (1 of 4 stars; one submission).

Allele frequency attached by ClinVar (database versions not stated): gnomAD exomes 0.00001 and 0.00003; TOPMed 0.00001; gnomAD 0.00002; ExAC 0.00004.
gnomAD v4.1: 41 of 1,609,438 alleles (0.0025%); highest among the groups gnomAD compares: Non-Finnish European, 0.0032%; 1 homozygote.

Submission:

Labcorp Genetics (formerly Invitae), Labcorp
Classification: Uncertain significance. Last evaluated: 2022-06-19. Review status: criteria provided, single submitter. Criteria: Invitae Variant Classification Sherloc (09022015). Collection method: clinical testing. Allele origin: germline.
Comment: The frequency data for this variant in the population databases is considered unreliable, as metrics indicate poor data quality at this position in the gnomAD database. In summary, the available evidence is currently insufficient to determine the role of this variant in disease. Therefore, it has been classified as a Variant of Uncertain Significance. Algorithms developed to predict the effect of missense changes on protein structure and function (SIFT, PolyPhen-2, Align-GVGD) all suggest that this variant is likely to be tolerated. This variant has not been reported in the literature in individuals affected with WDR1-related conditions. This sequence change replaces valine, which is neutral and non-polar, with methionine, which is neutral and non-polar, at codon 495 of the WDR1 protein (p.Val495Met).

NM_017491.5(WDR1):c.1483G>A (p.Val495Met)

Gene: WDR1 (WD repeat domain 1; minus strand). Cytogenetic location: 4p16.1.
Variant type: single nucleotide variant.
Coding change: c.1483G>A on transcript NM_017491.5 (MANE Select); coding-DNA position 1483, G replaced by A.
Protein change: p.Val495Met; replaces valine 495 with methionine.
Molecular consequence: missense variant.
Genome position (GRCh38, 1-based): chr4:10,077,839, C>T on the plus strand (G>A on the coding strand, the complement: WDR1 is on the minus strand). VCF-style: chr4-10077839-C-T. GRCh37 (hg19) VCF-style: chr4-10079463-C-T.
Other names: c.1063G>A, p.Val355Met (NM_005112.5); short protein forms V355M, V495M.
Identifiers: ClinVar variation 1386259 (VCV001386259.6), dbSNP rs760938563, ClinGen allele CA2857549.